The following is an entry in ClinVar:

ClinVar aggregate classification (germline): Likely benign (0 of 4 stars; one submission).

Conditions:
PLXNA4-related disorder. Also called: PLXNA4-related condition.

Submission:

PreventionGenetics, part of Exact Sciences
Classification: Likely benign for PLXNA4-related condition. Last evaluated: 2024-06-26. Review status: no assertion criteria provided. Collection method: clinical testing. Allele origin: germline.
Comment: This variant is classified as likely benign based on ACMG/AMP sequence variant interpretation guidelines (Richards et al. 2015 PMID: 25741868, with internal and published modifications).

NM_020911.2(PLXNA4):c.4661-7_4661-6dup

Gene: PLXNA4 (plexin A4; minus strand). Cytogenetic location: 7q32.3.
Variant type: Duplication.
Coding change: c.4661-7_4661-6dup on transcript NM_020911.2 (MANE Select); 7 bases into the intron before coding-DNA position 4661 through 6 bases into the intron before coding-DNA position 4661, 2 bases duplicated (TT; older notation c.4661-7_4661-6dupTT).
Molecular consequence: intron variant.
Genome position (GRCh38, 1-based): chr7:132,148,652-132,148,653, AA duplicated on the plus strand (TT on the coding strand, the reverse complement: PLXNA4 is on the minus strand); duplicating any 2 consecutive bases within chr7:132,148,652-132,148,655 gives the same sequence; the c. name uses the placement nearest the transcript's 3' end. VCF-style (leftmost placement, unchanged base first): chr7-132148651-C-CAA. GRCh37 (hg19) VCF-style: chr7-131833410-C-CAA.
Other names: c.4661-7_4661-6dup (NM_001393897.1).
Identifiers: ClinVar variation 3345198 (VCV003345198.1).
Genomic context (GRCh38, chr7:132,148,651, plus strand): 5'-GGTGGTGATGTCTTCATCCTGCAAGATCATCCTTGCCCCACTTCCTTGTCGCCACTCTGC[C>CAA]AAAAGAGCGGTGGCGTTTCAGAGAGGCCCTATGACCCCTCTTGTGGGGAAGCTGAGGACC-3'